The following is an entry in ClinVar:

ClinVar aggregate classification (germline): Uncertain significance (1 of 4 stars; one submission).

Conditions:
Pyogenic bacterial infections due to MyD88 deficiency (IMD68). Also called: PYOGENIC BACTERIAL INFECTIONS, RECURRENT, DUE TO MYD88 DEFICIENCY. Identifiers: Orphanet 183713, MedGen C2677092, MONDO:0012839, OMIM 612260.

gnomAD v4.1: 1 of 1,563,212 alleles (0.000064%); highest among the groups gnomAD compares: Non-Finnish European, 0.000087%; no homozygotes.

Submission:

Labcorp Genetics (formerly Invitae), Labcorp
Classification: Uncertain significance for Pyogenic bacterial infections due to MyD88 deficiency. Last evaluated: 2023-04-30. Review status: criteria provided, single submitter. Criteria: Invitae Variant Classification Sherloc (09022015). Collection method: clinical testing. Allele origin: germline.
Comment: This sequence change replaces aspartic acid, which is acidic and polar, with alanine, which is neutral and non-polar, at codon 4 of the MYD88 protein (p.Asp4Ala). This variant is not present in population databases (gnomAD no frequency). In summary, the available evidence is currently insufficient to determine the role of this variant in disease. Therefore, it has been classified as a Variant of Uncertain Significance. Algorithms developed to predict the effect of missense changes on protein structure and function output the following: SIFT: "Not Available"; PolyPhen-2: "Possibly Damaging"; Align-GVGD: "Not Available". The alanine amino acid residue is found in multiple mammalian species, which suggests that this missense change does not adversely affect protein function. This variant has not been reported in the literature in individuals affected with MYD88-related conditions.

NM_002468.5(MYD88):c.-29A>C

Gene: MYD88 (MYD88 innate immune signal transduction adaptor; plus strand). Cytogenetic location: 3p22.2.
Variant type: single nucleotide variant.
Coding change: c.-29A>C on transcript NM_002468.5 (MANE Select); 29 bases upstream of the start codon, A replaced by C.
Molecular consequence: 5 prime UTR variant.
Genome position (GRCh38, 1-based): chr3:38,138,672, A>C. VCF-style: chr3-38138672-A-C. GRCh37 (hg19) VCF-style: chr3-38180163-A-C.
Other names: c.-29A>C (NM_001172566.2, NM_001172567.2, NM_001172568.2 and 4 more transcripts); short protein forms D4A.
Identifiers: ClinVar variation 2903934 (VCV002903934.3), dbSNP rs2471591022, ClinGen allele CA352127075.